The following is an entry in ClinVar:

NM_001166114.2(PNPLA6):c.1815-16A>C

Gene: PNPLA6 (patatin like domain 6, lysophospholipase; plus strand). Cytogenetic location: 19p13.2.
Variant type: single nucleotide variant.
Coding change: c.1815-16A>C on transcript NM_001166114.2 (MANE Select); 16 bases into the intron before coding-DNA position 1815, A replaced by C.
Molecular consequence: intron variant.
Genome position (GRCh38, 1-based): chr19:7,550,282, A>C. VCF-style: chr19-7550282-A-C. GRCh37 (hg19) VCF-style: chr19-7615168-A-C.
Other names: c.1698-16A>C (NM_006702.5, NM_001166113.1); c.1620-16A>C (NM_001166112.2); c.1842-16A>C (NM_001166111.2).
Identifiers: ClinVar variation 2181213 (VCV002181213.4), dbSNP rs2023585921, ClinGen allele CA2320973935.

ClinVar aggregate classification (germline): Uncertain significance (1 of 4 stars; one submission).

Conditions:
Hereditary spastic paraplegia 39 (SPG39). Also called: Spastic Paraplegia Type 39 (SPG39); SPASTIC PARAPLEGIA 39, AUTOSOMAL RECESSIVE. Identifiers: Orphanet 139480, MedGen C2677586, MONDO:0012787, OMIM 612020.

Allele frequency attached by ClinVar (database versions not stated): gnomAD exomes below 0.00001.
gnomAD v4.1: 1 of 1,612,906 alleles (0.000062%); highest among the groups gnomAD compares: African/African-American, 0.0013%; no homozygotes.

Submission:

Labcorp Genetics (formerly Invitae), Labcorp
Classification: Uncertain significance for Hereditary spastic paraplegia 39. Last evaluated: 2022-06-26. Review status: criteria provided, single submitter. Criteria: Invitae Variant Classification Sherloc (09022015). Collection method: clinical testing. Allele origin: germline.
Comment: This variant is not present in population databases (gnomAD no frequency). In summary, the available evidence is currently insufficient to determine the role of this variant in disease. Therefore, it has been classified as a Variant of Uncertain Significance. Algorithms developed to predict the effect of sequence changes on RNA splicing suggest that this variant may create or strengthen a splice site. This variant has not been reported in the literature in individuals affected with PNPLA6-related conditions. This sequence change falls in intron 17 of the PNPLA6 gene. It does not directly change the encoded amino acid sequence of the PNPLA6 protein.